The following is an entry in ClinVar:

NM_025074.7(FRAS1):c.4799C>G (p.Thr1600Arg)

Gene: FRAS1 (Fraser extracellular matrix complex subunit 1; plus strand). Cytogenetic location: 4q21.21.
Variant type: single nucleotide variant.
Coding change: c.4799C>G on transcript NM_025074.7 (MANE Select); coding-DNA position 4799, C replaced by G.
Protein change: p.Thr1600Arg; replaces threonine 1600 with arginine.
Molecular consequence: missense variant.
Genome position (GRCh38, 1-based): chr4:78,429,182, C>G. VCF-style: chr4-78429182-C-G. GRCh37 (hg19) VCF-style: chr4-79350336-C-G.
Other names: c.4799C>G, p.Thr1600Arg (NM_001166133.2); short protein forms T1600R.
Identifiers: ClinVar variation 2631277 (VCV002631277.1), dbSNP rs745943428, ClinGen allele CA357383828.

ClinVar aggregate classification (germline): Uncertain significance (1 of 4 stars; one submission).

Conditions:
FRAS1-related disorder. Also called: FRAS1-related condition.

Allele frequency attached by ClinVar (database versions not stated): gnomAD exomes below 0.00001.
gnomAD v4.1: 2 of 1,604,654 alleles (0.00012%); highest among the groups gnomAD compares: African/African-American, 0.0013%; no homozygotes.

Submission:

PreventionGenetics, part of Exact Sciences
Classification: Uncertain significance for FRAS1-related condition. Last evaluated: 2023-06-27. Review status: criteria provided, single submitter. Criteria: ACMG Guidelines, 2015. Collection method: clinical testing. Allele origin: germline.
Comment: The FRAS1 c.4799C>G variant is predicted to result in the amino acid substitution p.Thr1600Arg. To our knowledge, this variant has not been reported in the literature or in a large population database, indicating this variant is rare. At this time, the clinical significance of this variant is uncertain due to the absence of conclusive functional and genetic evidence.